The following is an entry in ClinVar:

NM_001011.4(RPS7):c.-19+13C>T

Gene: RPS7 (ribosomal protein S7; plus strand). Cytogenetic location: 2p25.3.
Variant type: single nucleotide variant.
Coding change: c.-19+13C>T on transcript NM_001011.4 (MANE Select); 13 bases into the intron after 19 bases upstream of the start codon, C replaced by T.
Molecular consequence: intron variant.
Genome position (GRCh38, 1-based): chr2:3,575,363, C>T. VCF-style: chr2-3575363-C-T. GRCh37 (hg19) VCF-style: chr2-3622953-C-T.
Other names: c.-19+13C>T (LRG_1148t1).
Identifiers: ClinVar variation 335900 (VCV000335900.7), dbSNP rs530845583, ClinGen allele CA10615145.

ClinVar aggregate classification (germline): Benign/Likely benign. Review status: criteria provided, multiple submitters, no conflicts (2 of 4 stars). 3 submissions from 3 submitters: Benign (1); Likely benign (2). Last evaluated 2024-10-01.

Conditions:
Diamond-Blackfan anemia 8 (DBA8). Also called: RPS7-Related Diamond-Blackfan Anemia. Identifiers: Orphanet 124, MedGen C2675511, MONDO:0012939, OMIM 612563.

Allele frequency attached by ClinVar (database versions not stated): TOPMed 0.00002; 1000 Genomes Project 0.00060; 1000 Genomes Project 30x 0.00062.
gnomAD v4.1: 23 of 549,332 alleles (0.0042%); highest among the groups gnomAD compares: South Asian, 0.045%; no homozygotes.

Submissions (3):

Blueprint Genetics
Classification: Likely benign. Last evaluated: 2024-10-01. Review status: criteria provided, single submitter. Criteria: ACMG Guidelines, 2015. Collection method: clinical testing. Allele origin: germline.

Fulgent Genetics
Classification: Likely benign for Diamond-Blackfan anemia 8. Last evaluated: 2021-09-07. Review status: criteria provided, single submitter. Criteria: ACMG Guidelines, 2015. Collection method: clinical testing. Allele origin: unknown.

Illumina Laboratory Services, Illumina
Classification: Benign for Diamond-Blackfan anemia 8. Last evaluated: 2018-01-12. Review status: criteria provided, single submitter. Criteria: ICSL Variant Classification Criteria 13 December 2019. Collection method: clinical testing. Allele origin: germline.
Comment: This variant was observed in the ICSL laboratory as part of a predisposition screen in an ostensibly healthy population. It had not been previously curated by ICSL or reported in the Human Gene Mutation Database (HGMD: prior to June 1st, 2018), and was therefore a candidate for classification through an automated scoring system. Utilizing variant allele frequency, disease prevalence and penetrance estimates, and inheritance mode, an automated score was calculated to assess if this variant is too frequent to cause the disease. Based on the score and internal cut-off values, a variant classified as benign is not then subjected to further curation. The score for this variant resulted in a classification of benign for this disease.